The following is an entry in ClinVar:

NM_000284.4(PDHA1):c.511G>A (p.Val171Met)

Gene: PDHA1 (pyruvate dehydrogenase E1 subunit alpha 1; plus strand). Cytogenetic location: Xp22.12.
Variant type: single nucleotide variant.
Coding change: c.511G>A on transcript NM_000284.4 (MANE Select); coding-DNA position 511, G replaced by A.
Protein change: p.Val171Met; replaces valine 171 with methionine.
Molecular consequence: missense variant. On other transcripts: intron variant (1).
Genome position (GRCh38, 1-based): chrX:19,354,491, G>A. VCF-style: chrX-19354491-G-A. GRCh37 (hg19) VCF-style: chrX-19372609-G-A.
Other names: c.625G>A, p.Val209Met (NM_001173454.2); c.532G>A, p.Val178Met (NM_001173455.2); c.511-858G>A (NM_001173456.2); short protein forms V171M, V178M, V209M.
Identifiers: ClinVar variation 1806371 (VCV001806371.2), dbSNP rs1602226867, ClinGen allele CA412393830.

ClinVar aggregate classification (germline): Likely pathogenic. Review status: criteria provided, single submitter (1 of 4 stars). 2 submissions from 2 submitters: Likely pathogenic (1). 1 of the submissions does not count toward it. Last evaluated 2021-05-06.

Conditions:
Pyruvate dehydrogenase E1-alpha deficiency (PDHAD). Also called: ATAXIA, INTERMITTENT, WITH PYRUVATE DEHYDROGENASE DEFICIENCY; ATAXIA WITH LACTIC ACIDOSIS I; ATAXIA, INTERMITTENT, WITH ABNORMAL PYRUVATE METABOLISM; Ataxia, intermittent, with pyruvate dehydrogenase, or decarboxylase, deficiency. Identifiers: Orphanet 79243, MedGen C1839413, MONDO:0010717, OMIM 312170.

Submissions (2):

Victorian Clinical Genetics Services, Murdoch Childrens Research Institute
Classification: Likely pathogenic for Pyruvate dehydrogenase E1-alpha deficiency. Last evaluated: 2021-05-06. Review status: criteria provided, single submitter. Criteria: ACMG Guidelines, 2015. Collection method: clinical testing. Allele origin: germline. Inheritance: X-linked dominant inheritance.
Comment: Based on the classification scheme VCGS_Germline_v1.3.4, this variant is classified as Likely Pathogenic. Following criteria are met: 0110 - This gene is associated with X-linked disease. (I) 0115 - Variants in this gene are known to have variable expressivity. Depending on the residual enzymatic activity resulting from the PDHA1 variant, the severity of phenotypic presentation can vary. Additionally, the severity in females is dependent on X-chromosome inactivation patterns (OMIM, PMID: 22142326). (I) 0200 - Variant is predicted to result in a missense amino acid change from valine to methionine. (I) 0251 - This variant is heterozygous. (I) 0301 - Variant is absent from gnomAD (both v2 and v3). (SP) 0502 - Missense variant with conflicting in silico predictions and uninformative conservation. In addition, in silico predictions for abnormal splicing are conflicting. (I) 0603 - Missense variant in a region that is highly intolerant to missense variation (high constraint region in DECIPHER). (SP) 0710 - Another missense variant comparable to the one identified in this case has inconclusive previous evidence for pathogenicity. p.(Val171Leu) has been classified as a VUS by a diagnostic laboratory in ClinVar. (I) 0807 - This variant has no previous evidence of pathogenicity. (I) 1005 - Clinically accredited laboratory assay specific to gene product shows abnormal protein function. Pyruvate dehydrogenase complex enzyme activities were markedy reduced in cultured skin fibroblasts. (SP) 1102 - Strong phenotype match for this individual. (SP) 1208 - Inheritance information for this variant is not currently available in this individual. (I) Legend: (SP) - Supporting pathogenic, (I) - Information, (SB) - Supporting benign

PDHA1 Study Group, University Children’s Hospital, Paracelsus Medical University
Classification: Likely pathogenic for Pyruvate dehydrogenase E1-alpha deficiency. Last evaluated: 2024-10-15. Review status: no assertion criteria provided. Collection method: research. Allele origin: germline. Affected: yes. Observed: 1 variant allele. Not counted in ClinVar's aggregate classification.
Comment: The NM_000284.3:c.511G>A (p.Val171Met) substitution is a missense variant in PDHA1 gene. The variant has been reported in 1 published case (PMIDs: 24718837). Last literature search: July 12, 2024. This variant is absent or extremely rare in population-based cohorts in the Genome Aggregation Database (gnomAD). Individuals harboring this variant presented with clinical features compatible with PDHA1-related PDHc deficiency. In summary, this variant meets criteria to be classified as likely pathogenic (LP) for PDHA1-related PDHc deficiency based on the ACMG/AMP criteria applied: PM1, PM2, PM7, PP3 (last assessment October 15, 2024).

Literature cited by the submitters: PubMed 22142326 (cited by Victorian Clinical Genetics Services, Murdoch Childrens Research Institute); PubMed 24718837 (cited by Victorian Clinical Genetics Services, Murdoch Childrens Research Institute and PDHA1 Study Group, University Children’s Hospital, Paracelsus Medical University); DOI 10.1093/brain/awaf430 (cited by PDHA1 Study Group, University Children’s Hospital, Paracelsus Medical University).